The following is an entry in ClinVar:

ClinVar aggregate classification (germline): Likely benign (0 of 4 stars; one submission).

Conditions:
ESPL1-related disorder. Also called: ESPL1-related condition.

Allele frequency attached by ClinVar (database versions not stated): gnomAD exomes 0.00010; 1000 Genomes Project 0.00080; ESP Exome Variant Server 0.00115; 1000 Genomes Project 30x 0.00141.
gnomAD v4.1: 271 of 1,606,780 alleles (0.017%); highest among the groups gnomAD compares: African/African-American, 0.33%; no homozygotes.

Submission:

PreventionGenetics, part of Exact Sciences
Classification: Likely benign for ESPL1-related condition. Last evaluated: 2019-11-25. Review status: no assertion criteria provided. Collection method: clinical testing. Allele origin: germline.
Comment: This variant is classified as likely benign based on ACMG/AMP sequence variant interpretation guidelines (Richards et al. 2015 PMID: 25741868, with internal and published modifications).

NM_012291.5(ESPL1):c.5439C>T (p.Pro1813=)

Gene: ESPL1 (extra spindle pole bodies like 1, separase; plus strand). Cytogenetic location: 12q13.13.
Variant type: single nucleotide variant.
Coding change: c.5439C>T on transcript NM_012291.5 (MANE Select); coding-DNA position 5439, C replaced by T.
Protein change: p.Pro1813=; no amino-acid change (proline 1813 retained).
Molecular consequence: synonymous variant.
Genome position (GRCh38, 1-based): chr12:53,290,915, C>T. VCF-style: chr12-53290915-C-T. GRCh37 (hg19) VCF-style: chr12-53684699-C-T.
Identifiers: ClinVar variation 3033197 (VCV003033197.2), dbSNP rs143830681, ClinGen allele CA6597932.
Genomic context (GRCh38, chr12:53,290,915, plus strand): 5'-CCTAGAGAAGTCTGTGCTGGGCTGCTGGAAGGGGCTGCTGCTGCCGTCCAGTGAGGAGCC[C>T]GGCCCTGCCCAGGAGGCCTCCCGCCTACAGGAGCTGCTACAGGACTGTGGCTGGAAATAT-3'
Protein context (NP_036423.4, residues 1803-1823): KGLLLPSSEE[Pro1813=]GPAQEASRLQ